The following is an entry in ClinVar:

ClinVar aggregate classification (germline): Uncertain significance (1 of 4 stars; one submission).

Conditions:
Immunodeficiency 62. Identifiers: Orphanet 696942, MedGen C5193109, MONDO:0032763, OMIM 618459.

Allele frequency attached by ClinVar (database versions not stated): gnomAD exomes below 0.00001.
gnomAD v4.1: 2 of 1,613,578 alleles (0.00012%); highest among the groups gnomAD compares: Non-Finnish European, 0.000085%; no homozygotes.

Submission:

Laboratorio de Genetica e Diagnostico Molecular, Hospital Israelita Albert Einstein
Classification: Uncertain significance for Immunodeficiency 62. Last evaluated: 2023-01-27. Review status: criteria provided, single submitter. Criteria: ACMG Guidelines, 2015. Collection method: clinical testing. Allele origin: germline. Affected: yes. Observed: 1 variant allele.
Comment: ACMG classification criteria: PM2 moderated, BP4 supporting

NM_004706.4(ARHGEF1):c.424G>A (p.Val142Met)

Gene: ARHGEF1 (Rho guanine nucleotide exchange factor 1; plus strand). Cytogenetic location: 19q13.2.
Variant type: single nucleotide variant.
Coding change: c.424G>A on transcript NM_004706.4 (MANE Select); coding-DNA position 424, G replaced by A.
Protein change: p.Val142Met; replaces valine 142 with methionine.
Molecular consequence: missense variant. On other transcripts: non-coding transcript variant (2).
Genome position (GRCh38, 1-based): chr19:41,892,659, G>A. VCF-style: chr19-41892659-G-A. GRCh37 (hg19) VCF-style: chr19-42396730-G-A.
Other names: c.424G>A, p.Val142Met (NM_001396000.1, NM_001396003.1, NM_001396006.1); c.325G>A, p.Val109Met (NM_001396002.1, NM_001396004.1, NM_198977.2); c.469G>A, p.Val157Met (NM_199002.2); short protein forms V109M, V142M, V157M.
Identifiers: ClinVar variation 2431903 (VCV002431903.1), dbSNP rs2513786999, ClinGen allele CA406047880.